The following is an entry in ClinVar:

NM_001453.3(FOXC1):c.1317C>G (p.Ser439Arg)

Gene: FOXC1 (forkhead box C1; plus strand). Cytogenetic location: 6p25.3.
Variant type: single nucleotide variant.
Coding change: c.1317C>G on transcript NM_001453.3 (MANE Select); coding-DNA position 1317, C replaced by G.
Protein change: p.Ser439Arg; replaces serine 439 with arginine.
Molecular consequence: missense variant.
Genome position (GRCh38, 1-based): chr6:1,611,762, C>G. VCF-style: chr6-1611762-C-G. GRCh37 (hg19) VCF-style: chr6-1611997-C-G.
Other names: short protein forms S439R.
Identifiers: ClinVar variation 3704761 (VCV003704761.2).

ClinVar aggregate classification (germline): Uncertain significance (1 of 4 stars; one submission).

Conditions:
Axenfeld-Rieger syndrome type 3 (RIEG3). Also called: AXENFELD-RIEGER ANOMALY WITH CARDIAC DEFECTS AND/OR SENSORINEURAL HEARING LOSS. Identifiers: Orphanet 782, MedGen C2678503, MONDO:0011233, OMIM 602482.

Submission:

Labcorp Genetics (formerly Invitae), Labcorp
Classification: Uncertain significance for Axenfeld-Rieger syndrome type 3. Last evaluated: 2025-06-02. Review status: criteria provided, single submitter. Criteria: Invitae Variant Classification Sherloc (09022015). Collection method: clinical testing. Allele origin: germline.
Comment: This sequence change replaces serine, which is neutral and polar, with arginine, which is basic and polar, at codon 439 of the FOXC1 protein (p.Ser439Arg). This variant is not present in population databases (gnomAD no frequency). This variant has not been reported in the literature in individuals affected with FOXC1-related conditions. ClinVar contains an entry for this variant (Variation ID: 3704761). An algorithm developed to predict the effect of missense changes on protein structure and function (PolyPhen-2) suggests that this variant is likely to be tolerated. In summary, the available evidence is currently insufficient to determine the role of this variant in disease. Therefore, it has been classified as a Variant of Uncertain Significance.